The following is an entry in ClinVar:

ClinVar aggregate classification (germline): Uncertain significance (1 of 4 stars; one submission).

Allele frequency attached by ClinVar (database versions not stated): gnomAD exomes below 0.00001; TOPMed below 0.00001; ExAC 0.00001.
gnomAD v4.1: 4 of 1,557,198 alleles (0.00026%); highest among the groups gnomAD compares: South Asian, 0.0035%; no homozygotes.

Submission:

Labcorp Genetics (formerly Invitae), Labcorp
Classification: Uncertain significance. Last evaluated: 2022-06-27. Review status: criteria provided, single submitter. Criteria: Invitae Variant Classification Sherloc (09022015). Collection method: clinical testing. Allele origin: germline.
Comment: In summary, the available evidence is currently insufficient to determine the role of this variant in disease. Therefore, it has been classified as a Variant of Uncertain Significance. Variants that disrupt the consensus splice site are a relatively common cause of aberrant splicing (PMID: 17576681, 9536098). Algorithms developed to predict the effect of sequence changes on RNA splicing suggest that this variant is not likely to affect RNA splicing. This variant has not been reported in the literature in individuals affected with KIDINS220-related conditions. This variant is present in population databases (rs531282558, gnomAD 0.003%). This sequence change falls in intron 4 of the KIDINS220 gene. It does not directly change the encoded amino acid sequence of the KIDINS220 protein. It affects a nucleotide within the consensus splice site.

Literature cited by the submitters: PubMed 17576681; PubMed 9536098.

NM_020738.4(KIDINS220):c.306+4T>C

Gene: KIDINS220 (kinase D interacting substrate 220; minus strand). Cytogenetic location: 2p25.1.
Variant type: single nucleotide variant.
Coding change: c.306+4T>C on transcript NM_020738.4 (MANE Select); 4 bases into the intron after coding-DNA position 306, T replaced by C.
Molecular consequence: intron variant.
Genome position (GRCh38, 1-based): chr2:8,817,614, A>G on the plus strand (T>C on the coding strand, the complement: KIDINS220 is on the minus strand). VCF-style: chr2-8817614-A-G. GRCh37 (hg19) VCF-style: chr2-8957744-A-G.
Other names: c.306+4T>C (NM_001348741.2, NM_001348738.2, NM_001348739.2 and 9 more transcripts); c.180+4T>C (NM_001348736.2).
Identifiers: ClinVar variation 1524961 (VCV001524961.6), dbSNP rs531282558, ClinGen allele CA1520469.
Genomic context (GRCh38, chr2:8,817,614, plus strand): 5'-TCACACATATCTATGATTATAAATAAGATTTCAGCTAATTAAGAACATATAAAAATGTCC[A>G]TACCATATCACGGTGCTCCAAGTTAACCCCACATTTCAGTAGTTCCTCTACGATGTGCAC-3'